The following is an entry in ClinVar:

ClinVar aggregate classification (germline): Uncertain significance (1 of 4 stars; one submission).

Conditions:
Inborn genetic diseases. Identifiers: MedGen C0950123, MeSH D030342.

gnomAD v4.1: 6 of 1,614,084 alleles (0.00037%); highest among the groups gnomAD compares: Non-Finnish European, 0.00051%; no homozygotes.

Submission:

Ambry Genetics
Classification: Uncertain significance for Inborn genetic diseases. Last evaluated: 2024-10-11. Review status: criteria provided, single submitter. Criteria: Ambry Variant Classification Scheme 2023. Collection method: clinical testing. Allele origin: germline.
Comment: The p.V50I variant (also known as c.148G>A), located in coding exon 3 of the ERCC2 gene, results from a G to A substitution at nucleotide position 148. The valine at codon 50 is replaced by isoleucine, an amino acid with highly similar properties. This amino acid position is conserved. In addition, this alteration is predicted to be tolerated by in silico analysis. Based on the available evidence, the clinical significance of this variant remains unclear.

NM_000400.4(ERCC2):c.148G>A (p.Val50Ile)

Gene: ERCC2 (ERCC excision repair 2, TFIIH core complex helicase subunit; minus strand). Cytogenetic location: 19q13.32.
Variant type: single nucleotide variant.
Coding change: c.148G>A on transcript NM_000400.4 (MANE Select); coding-DNA position 148, G replaced by A.
Protein change: p.Val50Ile; replaces valine 50 with isoleucine.
Molecular consequence: missense variant.
Genome position (GRCh38, 1-based): chr19:45,369,105, C>T on the plus strand (G>A on the coding strand, the complement: ERCC2 is on the minus strand). VCF-style: chr19-45369105-C-T. GRCh37 (hg19) VCF-style: chr19-45872363-C-T.
Other names: c.76G>A, p.Val26Ile (NM_001130867.2); short protein forms V26I, V50I.
Identifiers: ClinVar variation 3509803 (VCV003509803.1).
Genomic context (GRCh38, chr19:45,369,105, plus strand): 5'-TTTACGGGTTCAGCGCATCACTCACTCTCTGGTATGCCATGATCAGGGCCAACAGGGATA[C>T]TGTCTTCCCGGTGCCTGAGGGCATCTCCAGGACTCCATGACCCTGCATGTTGGGGACCAG-3'
Protein context (NP_000391.1, residues 40-60): LEMPSGTGKT[Val50Ile]SLLALIMAYQ